The following is an entry in ClinVar:

ClinVar aggregate classification (germline): Likely benign (0 of 4 stars; one submission).

Conditions:
PKD1-related disorder. Also called: PKD1-related condition.

Allele frequency attached by ClinVar (database versions not stated): ExAC 0.00008; 1000 Genomes Project 30x 0.00016; gnomAD 0.00016; TOPMed 0.00019.
gnomAD v4.1: 112 of 1,592,958 alleles (0.007%); highest among the groups gnomAD compares: Middle Eastern, 0.091%; no homozygotes.

Submission:

PreventionGenetics, part of Exact Sciences
Classification: Likely benign for PKD1-related condition. Last evaluated: 2021-09-08. Review status: no assertion criteria provided. Collection method: clinical testing. Allele origin: germline.
Comment: This variant is classified as likely benign based on ACMG/AMP sequence variant interpretation guidelines (Richards et al. 2015 PMID: 25741868, with internal and published modifications).

NM_001009944.3(PKD1):c.2433C>G (p.Leu811=)

Gene: PKD1 (polycystin 1, transient receptor potential channel interacting; minus strand). Cytogenetic location: 16p13.3.
Variant type: single nucleotide variant.
Coding change: c.2433C>G on transcript NM_001009944.3 (MANE Select); coding-DNA position 2433, C replaced by G.
Protein change: p.Leu811=; no amino-acid change (leucine 811 retained).
Molecular consequence: synonymous variant.
Genome position (GRCh38, 1-based): chr16:2,114,590, G>C on the plus strand (C>G on the coding strand, the complement: PKD1 is on the minus strand). VCF-style: chr16-2114590-G-C. GRCh37 (hg19) VCF-style: chr16-2164591-G-C.
Other names: c.2433C>G, p.Leu811= (NM_000296.4).
Identifiers: ClinVar variation 3054786 (VCV003054786.2), dbSNP rs756852012, ClinGen allele CA7833216.